The following is an entry in ClinVar:

NM_024675.4(PALB2):c.949A>C (p.Thr317Pro)

Gene: PALB2 (partner and localizer of BRCA2; minus strand). Cytogenetic location: 16p12.2.
Variant type: single nucleotide variant.
Coding change: c.949A>C on transcript NM_024675.4 (MANE Select); coding-DNA position 949, A replaced by C.
Protein change: p.Thr317Pro; replaces threonine 317 with proline.
Molecular consequence: missense variant.
Genome position (GRCh38, 1-based): chr16:23,635,597, T>G on the plus strand (A>C on the coding strand, the complement: PALB2 is on the minus strand). VCF-style: chr16-23635597-T-G. GRCh37 (hg19) VCF-style: chr16-23646918-T-G.
Other names: p.T317P:ACA>CCA; short protein forms T317P.
Identifiers: ClinVar variation 128150 (VCV000128150.30), dbSNP rs587780223, ClinGen allele CA288504.

ClinVar aggregate classification (germline): Conflicting classifications of pathogenicity. Review status: criteria provided, conflicting classifications (1 of 4 stars). 8 submissions from 8 submitters: Uncertain significance (6); Likely benign (2). Last evaluated 2026-02-02.

Conditions:
Hereditary cancer-predisposing syndrome. Also called: Tumor predisposition; Hereditary Cancer Syndrome; Neoplastic Syndromes, Hereditary; Hereditary neoplastic syndrome. Identifiers: Orphanet 140162, MedGen C0027672, MeSH D009386, MONDO:0015356.
Familial cancer of breast. Also called: BREAST CANCER, FAMILIAL; Hereditary breast cancer; hereditary breast carcinoma. Identifiers: Orphanet 227535, MedGen C0346153, MONDO:0016419, OMIM 114480. Disease mechanism: loss of function.
Pancreatic cancer, susceptibility to, 3. Identifiers: Orphanet 1333, MedGen C3150547, MONDO:0013236, OMIM 613348.
Fanconi anemia complementation group N. Also called: PALB2-Related Fanconi Anemia. Identifiers: Orphanet 84, MedGen C1835817, MONDO:0012565, OMIM 610832. Disease mechanism: loss of function.

Allele frequency attached by ClinVar (database versions not stated): gnomAD exomes below 0.00001; ExAC 0.00001; TOPMed 0.00003; gnomAD 0.00007 and 0.00008.

Submissions (8):

Labcorp Genetics (formerly Invitae), Labcorp
Classification: Uncertain significance for Familial cancer of breast. Last evaluated: 2026-02-02. Review status: criteria provided, single submitter. Criteria: Invitae Variant Classification Sherloc (09022015). Collection method: clinical testing. Allele origin: germline.
Comment: This sequence change replaces threonine, which is neutral and polar, with proline, which is neutral and non-polar, at codon 317 of the PALB2 protein (p.Thr317Pro). This variant is present in population databases (rs587780223, gnomAD 0.02%). This missense change has been observed in individual(s) with breast cancer (PMID: 32039725). ClinVar contains an entry for this variant (Variation ID: 128150). Invitae Evidence Modeling of protein sequence and biophysical properties (such as structural, functional, and spatial information, amino acid conservation, physicochemical variation, residue mobility, and thermodynamic stability) indicates that this missense variant is not expected to disrupt PALB2 protein function with a negative predictive value of 80%. Experimental studies have shown that this missense change does not substantially affect PALB2 function (PMID: 31586400). In summary, the available evidence is currently insufficient to determine the role of this variant in disease. Therefore, it has been classified as a Variant of Uncertain Significance.

Color Diagnostics, LLC DBA Color Health
Classification: Uncertain significance for Hereditary cancer-predisposing syndrome. Last evaluated: 2025-01-22. Review status: criteria provided, single submitter. Criteria: ACMG Guidelines, 2015. Collection method: clinical testing. Allele origin: germline.
Comment: This missense variant replaces threonine with proline at codon 317 of the PALB2 protein. Computational prediction suggests that this variant may not impact protein structure and function. A functional study has reported that this variant does not impact BRCA1 binding in a mammalian two-hybrid assay (PMID: 31586400). This variant has been reported in three individuals affected with breast cancer (PMID: 31871109, 32039725). This variant has been identified in 4/282486 chromosomes in the general population by the Genome Aggregation Database (gnomAD). The available evidence is insufficient to determine the role of this variant in disease conclusively. Therefore, this variant is classified as a Variant of Uncertain Significance.

Myriad Genetics, Inc.
Classification: Likely benign for Familial cancer of breast. Last evaluated: 2025-01-13. Review status: criteria provided, single submitter. Criteria: Myriad Autosomal Dominant, Autosomal Recessive and X-Linked Classification Criteria (2023). Collection method: clinical testing. Allele origin: unknown.
Comment: This variant is considered likely benign. This variant is strongly associated with less severe personal and family histories of cancer, typical for individuals without pathogenic variants in this gene [PMID: 25085752].

GeneDx
Classification: Uncertain significance. Last evaluated: 2025-01-12. Review status: criteria provided, single submitter. Criteria: GeneDx Variant Classification Process June 2021. Collection method: clinical testing. Allele origin: germline. Affected: yes.
Comment: Observed in an individual with breast cancer (PMID: 32039725); Published functional studies demonstrate protein production, binding to BRCA1, and sensitivity to PARP inhibition comparable to wild type (PMID: 31586400); Not observed at significant frequency in large population cohorts (gnomAD); In silico analysis indicates that this missense variant does not alter protein structure/function; This variant is associated with the following publications: (PMID: 31871109, 19369211, 32039725, 31586400)

Ambry Genetics
Classification: Likely benign for Hereditary cancer-predisposing syndrome. Last evaluated: 2024-06-01. Review status: criteria provided, single submitter. Criteria: Ambry Variant Classification Scheme 2023. Collection method: clinical testing. Allele origin: germline.

Quest Diagnostics Nichols Institute San Juan Capistrano
Classification: Uncertain significance. Last evaluated: 2024-01-12. Review status: criteria provided, single submitter. Criteria: Quest Diagnostics criteria. Collection method: clinical testing. Allele origin: unknown.
Comment: The PALB2 c.949A>C (p.Thr317Pro) variant has been reported in the published literature in an individual with breast cancer (PMID: 32039725 (2020)). One functional study suggested that this variant does not impact PALB2 binding to BRCA1 (PMID: 31586400 (2019)), however additional studies are needed to determine the global impact of this variant on PALB2 protein function. The frequency of this variant in the general population, 0.00016 (4/24902 chromosomes (Genome Aggregation Database)), is uninformative in the assessment of its pathogenicity. Analysis of this variant using bioinformatics tools for the prediction of the effect of amino acid changes on protein structure and function yielded predictions that this variant is benign. Based on the available information, we are unable to determine the clinical significance of this variant.

Fulgent Genetics
Classification: Uncertain significance for Familial cancer of breast; Fanconi anemia complementation group N; Pancreatic cancer, susceptibility to, 3. Last evaluated: 2022-04-09. Review status: criteria provided, single submitter. Criteria: ACMG Guidelines, 2015. Collection method: clinical testing. Allele origin: unknown.

Sema4
Classification: Uncertain significance for Hereditary cancer-predisposing syndrome. Last evaluated: 2021-10-15. Review status: criteria provided, single submitter. Criteria: Sema4 Curation Guidelines. Collection method: curation. Allele origin: germline.
Comment: The PALB2 c.949A>C (p.T317P) variant has been reported in heterozygosity in at least three individuals with breast cancer (PMID: 31871109, 32039725). This variant has been reported not to substantially affect PALB2 protein function (PMID: 31586400). This variant was observed in 4/24902 chromosomes in the African/African American population according to the Genome Aggregation Database (PMID: 32461654). This variant has been reported in ClinVar (Variation ID: 128150). In silico tools suggest the impact of the variant on protein function is benign, though these predictions have not been confirmed by functional studies. The evidence is insufficient to meet ACMG/AMP criteria for classifying the variant as benign or pathogenic. Thus, the clinical significance of this variant is currently uncertain.

Literature cited by the submitters: PubMed 32039725 (cited by 5 submitters); PubMed 31586400 (cited by 4 submitters); PubMed 31871109 (cited by 4 submitters); PubMed 25085752 (cited by Myriad Genetics, Inc.).